The following is an entry in ClinVar:

ClinVar aggregate classification (germline): Likely pathogenic (1 of 4 stars; one submission).

Conditions:
Ornithine carbamoyltransferase deficiency (OTCD). Also called: ORNITHINE TRANSCARBAMYLASE DEFICIENCY; Ornithine Carbamoyltransferase Deficiency Disease; ORNITHINE TRANSCARBAMYLASE DEFICIENCY, HYPERAMMONEMIA DUE TO; OTC DEFICIENCY. Identifiers: Orphanet 664, MedGen C0268542, MONDO:0010703, OMIM 311250.

Submission:

Center for Genomics, Ann and Robert H. Lurie Children's Hospital of Chicago
Classification: Likely pathogenic for Ornithine carbamoyltransferase deficiency. Last evaluated: 2022-12-27. Review status: criteria provided, single submitter. Criteria: ACMG Guidelines, 2015. Collection method: clinical testing. Allele origin: germline.
Comment: This variant has not been reported in the literature or disease-specific databases, and is not present in gnomAD. Evolutionary conservation and computational prediction tools are unavailable for this variant. This in-frame deletion-insertion variant results in the loss of 11 wild-type amino acids and insertion of 1 novel amino acid (proline) in their place, and is not expected to alter the reading frame. This variant affects an alpha helix motif in the encoded enzyme; variants that impact alpha helices, thus altering enzyme structure, are common causes of neonatal-onset OTC deficiency (Kido 2022 PMID: 36303552). In summary, data on this variant is highly suspicious for disease, but requires further evidence for pathogenicity. Therefore, this variant is classified as Likely Pathogenic .

NM_000531.6(OTC):c.833_864delinsCC (p.Leu278_Met288delinsPro)

Gene: OTC (ornithine transcarbamylase; plus strand). Cytogenetic location: Xp11.4.
Variant type: Indel.
Coding change: c.833_864delinsCC on transcript NM_000531.6 (MANE Select); coding-DNA positions 833 to 864, the reference bases replaced by CC.
Protein change: p.Leu278_Met288delinsPro.
Molecular consequence: inframe indel.
Genome position (GRCh38, 1-based): chrX:38,408,991-38,409,022, 32 bases replaced. GRCh37 (hg19): chrX:38,268,244-38,268,275.
Other names: c.833_864delinsCC, p.Leu278_Met288delinsPro (NM_001407092.1).
Identifiers: ClinVar variation 2501754 (VCV002501754.1), dbSNP rs2519979361, ClinGen allele CA2580616981.
Genomic context (GRCh38, chrX:38,408,991, plus strand): 5'-ATGTATTAATTACAGACACTTGGATAAGCATGGGACAAGAAGAGGAGAAGAAAAAGCGGC[TCCAGGCTTTCCAAGGTTACCAGGTTACAATG>CC]AAGGTACAAATTGATGCCTCTCTGAAGGTTCATTAATTCCATTCATGAAGGCCAGAACCA-3'